The following is an entry in ClinVar:

NM_006005.3(WFS1):c.2061G>T (p.Gln687His)

Gene: WFS1 (wolframin ER transmembrane glycoprotein; plus strand). Cytogenetic location: 4p16.1.
Variant type: single nucleotide variant.
Coding change: c.2061G>T on transcript NM_006005.3 (MANE Select); coding-DNA position 2061, G replaced by T.
Protein change: p.Gln687His; replaces glutamine 687 with histidine.
Molecular consequence: missense variant.
Genome position (GRCh38, 1-based): chr4:6,301,856, G>T. VCF-style: chr4-6301856-G-T. GRCh37 (hg19) VCF-style: chr4-6303583-G-T.
Other names: c.2061G>T, p.Gln687His (NM_001145853.1); short protein forms Q687H.
Identifiers: ClinVar variation 2429743 (VCV002429743.1), dbSNP rs760938537, ClinGen allele CA356177623.

ClinVar aggregate classification (germline): Likely risk allele (1 of 4 stars; one submission).

Conditions:
Wolfram syndrome 1 (WFS1). Identifiers: Orphanet 3463, MedGen C4551693, MONDO:0009101, OMIM 222300.

Allele frequency attached by ClinVar (database versions not stated): TOPMed below 0.00001.
gnomAD v4.1: 4 of 1,613,050 alleles (0.00025%); highest among the groups gnomAD compares: Admixed American, 0.0017%; no homozygotes.

Submission:

Clinical Genomics, Uppaluri K&H Personalized Medicine Clinic
Classification: Likely risk allele for Wolfram syndrome 1. Review status: criteria provided, single submitter. Criteria: K & H Uppaluri Personalized Medicine Clinic Variant Classification & Assertion Criteria_Updated V.1. Collection method: research. Allele origin: unknown. Inheritance: Autosomal recessive inheritance.
Comment: Potent mutations in WFS1 gene are associated with Wolfram's syndrome, an autosomal recessive condition, which cause diabetes mellitus, diabetes insipidus, deafness and optic atrophy. However no sufficient evidence is found to ascertain the role of this particular variant rs760938537 in Wolfram's syndrome yet.

Literature cited by the submitters: PubMed 17603484; PubMed 20301750; PubMed 18060660; PubMed 12955714; PubMed 33879153; PubMed 20738327.